The following is an entry in ClinVar:

ClinVar aggregate classification (germline): Uncertain significance. Review status: criteria provided, multiple submitters, no conflicts (2 of 4 stars). 4 submissions from 4 submitters: Uncertain significance (3). 1 of the submissions does not count toward it. Last evaluated 2026-05-05.

Conditions:
TBX3-related disorder. Also called: TBX3-related condition.
Inborn genetic diseases. Identifiers: MedGen C0950123, MeSH D030342.
Ulnar-mammary syndrome (UMS). Also called: SCHINZEL SYNDROME; Ulnar-mammary syndrome of Pallister; PALLISTER ULNAR-MAMMARY SYNDROME. Identifiers: Orphanet 3138, MedGen C1866994, MONDO:0008411, OMIM 181450.

Allele frequency attached by ClinVar (database versions not stated): ExAC 0.00012; gnomAD 0.00002; gnomAD exomes 0.00012; TOPMed 0.00008.
gnomAD v4.1: 51 of 1,578,500 alleles (0.0032%); highest among the groups gnomAD compares: Admixed American, 0.037%; no homozygotes.

Submissions (4):

Women's Health and Genetics/Laboratory Corporation of America, LabCorp
Classification: Uncertain significance. Last evaluated: 2026-05-05. Review status: criteria provided, single submitter. Criteria: LabCorp Variant Classification Summary - May 2015. Collection method: clinical testing. Allele origin: germline.
Comment: Variant summary: TBX3 c.1301G>A (p.Arg434His) results in a non-conservative amino acid change in the encoded protein sequence. Algorithms developed to predict the effect of missense changes on protein structure and function are either unavailable or do not agree on the potential impact of this missense change. The variant allele was found at a frequency of 0.00012 in 189436 control chromosomes. This frequency is not significantly higher than estimated for disease-causing variants in TBX3, allowing no conclusion about variant significance. To our knowledge, no occurrence of c.1301G>A in individuals affected with TBX3-related conditions and no experimental evidence demonstrating its impact on protein function have been reported. ClinVar contains an entry for this variant (Variation ID: 1371780). Based on the evidence outlined above, the variant was classified as uncertain significance.

Labcorp Genetics (formerly Invitae), Labcorp
Classification: Uncertain significance for Ulnar-mammary syndrome. Last evaluated: 2025-11-22. Review status: criteria provided, single submitter. Criteria: Invitae Variant Classification Sherloc (09022015). Collection method: clinical testing. Allele origin: germline.
Comment: This sequence change replaces arginine, which is basic and polar, with histidine, which is basic and polar, at codon 434 of the TBX3 protein (p.Arg434His). This variant is present in population databases (rs758811184, gnomAD 0.05%), and has an allele count higher than expected for a pathogenic variant. This variant has not been reported in the literature in individuals affected with TBX3-related conditions. ClinVar contains an entry for this variant (Variation ID: 1371780). An algorithm developed to predict the effect of missense changes on protein structure and function outputs the following: PolyPhen-2: "Possibly Damaging". The histidine amino acid residue is found in multiple mammalian species, which suggests that this missense change does not adversely affect protein function. In summary, the available evidence is currently insufficient to determine the role of this variant in disease. Therefore, it has been classified as a Variant of Uncertain Significance.

Ambry Genetics
Classification: Uncertain significance for Inborn genetic diseases. Last evaluated: 2024-06-07. Review status: criteria provided, single submitter. Criteria: Ambry Variant Classification Scheme 2023. Collection method: clinical testing. Allele origin: germline.

PreventionGenetics, part of Exact Sciences
Classification: Likely benign for TBX3-related condition. Last evaluated: 2024-05-20. Review status: no assertion criteria provided. Collection method: clinical testing. Allele origin: germline. Not counted in ClinVar's aggregate classification.
Comment: This variant is classified as likely benign based on ACMG/AMP sequence variant interpretation guidelines (Richards et al. 2015 PMID: 25741868, with internal and published modifications).

NM_005996.4(TBX3):c.1301G>A (p.Arg434His)

Gene: TBX3 (T-box transcription factor 3; minus strand). Cytogenetic location: 12q24.21.
Variant type: single nucleotide variant.
Coding change: c.1301G>A on transcript NM_005996.4 (MANE Select); coding-DNA position 1301, G replaced by A.
Protein change: p.Arg434His; replaces arginine 434 with histidine.
Molecular consequence: missense variant.
Genome position (GRCh38, 1-based): chr12:114,674,574, C>T on the plus strand (G>A on the coding strand, the complement: TBX3 is on the minus strand). VCF-style: chr12-114674574-C-T. GRCh37 (hg19) VCF-style: chr12-115112379-C-T.
Other names: c.1301G>A (NM_005996.3); c.1361G>A (NM_016569.3); c.1361G>A, p.Arg454His (NM_016569.4); short protein forms R434H, R454H.
Identifiers: ClinVar variation 1371780 (VCV001371780.10), dbSNP rs758811184, ClinGen allele CA6809940.